The following is an entry in ClinVar:

ClinVar aggregate classification (germline): Uncertain significance. Review status: criteria provided, multiple submitters, no conflicts (2 of 4 stars). 2 submissions from 2 submitters: Uncertain significance (2). Last evaluated 2026-03-29.

Conditions:
Inborn genetic diseases. Identifiers: MedGen C0950123, MeSH D030342.
Aortic valve disease 2 (AOVD2). Identifiers: MedGen C3542024, MONDO:0013902, OMIM 614823.

Allele frequency attached by ClinVar (database versions not stated): 1000 Genomes Project 30x 0.00016; gnomAD 0.00001.
gnomAD v4.1: 9 of 1,488,658 alleles (0.0006%); highest among the groups gnomAD compares: South Asian, 0.0077%; no homozygotes.

Submissions (2):

Ambry Genetics
Classification: Uncertain significance for Inborn genetic diseases. Last evaluated: 2026-03-29. Review status: criteria provided, single submitter. Criteria: Ambry Variant Classification Scheme 2023. Collection method: clinical testing. Allele origin: germline.
Comment: The p.V19F variant (also known as c.55G>T), located in coding exon 1 of the SMAD6 gene, results from a G to T substitution at nucleotide position 55. The valine at codon 19 is replaced by phenylalanine, an amino acid with highly similar properties. This amino acid position is conserved. In addition, this alteration is predicted to be tolerated by in silico analysis. Based on the available evidence, the clinical significance of this variant remains unclear.

Labcorp Genetics (formerly Invitae), Labcorp
Classification: Uncertain significance for Aortic valve disease 2. Last evaluated: 2023-03-27. Review status: criteria provided, single submitter. Criteria: Invitae Variant Classification Sherloc (09022015). Collection method: clinical testing. Allele origin: germline.
Comment: An algorithm developed to predict the effect of missense changes on protein structure and function (PolyPhen-2) suggests that this variant is likely to be tolerated. This sequence change replaces valine, which is neutral and non-polar, with phenylalanine, which is neutral and non-polar, at codon 19 of the SMAD6 protein (p.Val19Phe). This variant is not present in population databases (gnomAD no frequency). This variant has not been reported in the literature in individuals affected with SMAD6-related conditions. In summary, the available evidence is currently insufficient to determine the role of this variant in disease. Therefore, it has been classified as a Variant of Uncertain Significance.

NM_005585.5(SMAD6):c.55G>T (p.Val19Phe)

Gene: SMAD6 (SMAD family member 6; plus strand). Cytogenetic location: 15q22.31.
Variant type: single nucleotide variant.
Coding change: c.55G>T on transcript NM_005585.5 (MANE Select); coding-DNA position 55, G replaced by T.
Protein change: p.Val19Phe; replaces valine 19 with phenylalanine.
Molecular consequence: missense variant. On other transcripts: non-coding transcript variant (1).
Genome position (GRCh38, 1-based): chr15:66,703,313, G>T. VCF-style: chr15-66703313-G-T. GRCh37 (hg19) VCF-style: chr15-66995651-G-T.
Other names: c.55G>T (NM_005585.4); short protein forms V19F.
Identifiers: ClinVar variation 2968634 (VCV002968634.4), dbSNP rs1210695230, ClinGen allele CA392948397.